The following is an entry in ClinVar:

NM_000245.4(MET):c.1702-5T>C

Gene: MET (MET proto-oncogene, receptor tyrosine kinase; plus strand). Cytogenetic location: 7q31.2.
Variant type: single nucleotide variant.
Coding change: c.1702-5T>C on transcript NM_000245.4 (MANE Select); 5 bases into the intron before coding-DNA position 1702, T replaced by C.
Molecular consequence: intron variant.
Genome position (GRCh38, 1-based): chr7:116,755,350, T>C. VCF-style: chr7-116755350-T-C. GRCh37 (hg19) VCF-style: chr7-116395404-T-C.
Other names: c.1702-5T>C (NM_001127500.3, NM_001324401.3); c.412-5T>C (NM_001324402.2).
Identifiers: ClinVar variation 3872368 (VCV003872368.1).

ClinVar aggregate classification (germline): Uncertain significance (1 of 4 stars; one submission).

Conditions:
Hereditary cancer-predisposing syndrome. Also called: Tumor predisposition; Neoplastic Syndromes, Hereditary; Hereditary Cancer Syndrome; Hereditary neoplastic syndrome. Identifiers: Orphanet 140162, MedGen C0027672, MeSH D009386, MONDO:0015356.

Submission:

Ambry Genetics
Classification: Uncertain significance for Hereditary cancer-predisposing syndrome. Last evaluated: 2025-01-30. Review status: criteria provided, single submitter. Criteria: Ambry Variant Classification Scheme 2023. Collection method: clinical testing. Allele origin: germline.
Comment: The c.1702-5T>C intronic variant results from a T to C substitution 5 nucleotides upstream from coding exon 5 in the MET gene. This nucleotide position is well conserved in available vertebrate species. In silico splice site analysis predicts that this alteration will not have any significant effect on splicing. Based on the available evidence, the clinical significance of this variant remains unclear.